The following is an entry in ClinVar:

ClinVar aggregate classification (germline): Benign. Review status: criteria provided, multiple submitters, no conflicts (2 of 4 stars). 2 submissions from 2 submitters: Benign (2). Last evaluated 2018-06-18.

Allele frequency attached by ClinVar (database versions not stated): TOPMed 0.49121; gnomAD 0.49481 and 0.49600; 1000 Genomes Project 0.51198; 1000 Genomes Project 30x 0.51234.
gnomAD v4.1: 522,749 of 1,078,258 alleles (48%); highest among the groups gnomAD compares: African/African-American, 56%; 128,587 homozygotes.

Submissions (2):

GeneDx
Classification: Benign. Last evaluated: 2018-06-18. Review status: criteria provided, single submitter. Criteria: GeneDx Variant Classification (06012015). Collection method: clinical testing. Allele origin: germline. Affected: yes.
Comment: This variant is considered likely benign or benign based on one or more of the following criteria: it is a conservative change, it occurs at a poorly conserved position in the protein, it is predicted to be benign by multiple in silico algorithms, and/or has population frequency not consistent with disease.

Breakthrough Genomics
Classification: Benign. Review status: criteria provided, single submitter. Criteria: ACMG Guidelines, 2015. Collection method: not provided. Allele origin: germline. Inheritance: Autosomal dominant inheritance. Affected: yes.

NM_001844.5(COL2A1):c.1528-108A>G

Gene: COL2A1 (collagen type II alpha 1 chain; minus strand). Cytogenetic location: 12q13.11.
Variant type: single nucleotide variant.
Coding change: c.1528-108A>G on transcript NM_001844.5 (MANE Select); 108 bases into the intron before coding-DNA position 1528, A replaced by G.
Molecular consequence: intron variant.
Genome position (GRCh38, 1-based): chr12:47,986,073, T>C on the plus strand (A>G on the coding strand, the complement: COL2A1 is on the minus strand). VCF-style: chr12-47986073-T-C. GRCh37 (hg19) VCF-style: chr12-48379856-T-C.
Other names: c.1321-108A>G (NM_033150.3).
Identifiers: ClinVar variation 674836 (VCV000674836.2), dbSNP rs7963636, ClinGen allele CA13646573.